The following is an entry in ClinVar:

NM_003000.3(SDHB):c.315C>G (p.Ile105Met)

Gene: SDHB (succinate dehydrogenase complex iron sulfur subunit B; minus strand). Cytogenetic location: 1p36.13.
Variant type: single nucleotide variant.
Coding change: c.315C>G on transcript NM_003000.3 (MANE Select); coding-DNA position 315, C replaced by G.
Protein change: p.Ile105Met; replaces isoleucine 105 with methionine.
Molecular consequence: missense variant.
Genome position (GRCh38, 1-based): chr1:17,028,708, G>C on the plus strand (C>G on the coding strand, the complement: SDHB is on the minus strand). VCF-style: chr1-17028708-G-C. GRCh37 (hg19) VCF-style: chr1-17355203-G-C.
Other names: c.315C>G, p.Ile105Met (NM_001407361.1); short protein forms I105M.
Identifiers: ClinVar variation 1907361 (VCV001907361.8), dbSNP rs2525020782, ClinGen allele CA338274968.
Genomic context (GRCh38, chr1:17,028,708, plus strand): 5'-TGAGACCTTATTGAGGTTGGTGTCAATCCTTCGGGTGCAAGCTAGAGTGTTGCCTCCATT[G>C]ATGTTCATTGCACAAGAGCCACAGATGCCTGAAAGAGACACACATTTAACACATCCTCAC-3'
Protein context (NP_002991.2, residues 95-115): EGICGSCAMN[Ile105Met]NGGNTLACTR

ClinVar aggregate classification (germline): Uncertain significance. Review status: criteria provided, multiple submitters, no conflicts (2 of 4 stars). 2 submissions from 2 submitters: Uncertain significance (2). Last evaluated 2026-07-29.

Conditions:
Hereditary cancer-predisposing syndrome. Also called: Hereditary neoplastic syndrome; Neoplastic Syndromes, Hereditary; Tumor predisposition; Hereditary Cancer Syndrome. Identifiers: Orphanet 140162, MedGen C0027672, MeSH D009386, MONDO:0015356.
Pheochromocytoma. Also called: MAX-Related Hereditary Paraganglioma-Pheochromocytoma Syndrome. Identifiers: Orphanet 29072, MedGen C0031511, MONDO:0008233, OMIM 171300, HP:0002666.
Pheochromocytoma/paraganglioma syndrome 4. Also called: SDHB-Related Hereditary Paraganglioma-Pheochromocytoma Syndrome (Paragangliomas 4); SDHB-Related Hereditary Paraganglioma-Pheochromocytoma Syndrome; CAROTID BODY TUMORS AND MULTIPLE EXTRAADRENAL PHEOCHROMOCYTOMAS; PARAGANGLIOMA, FAMILIAL MALIGNANT; PARAGANGLIOMAS, HEREDITARY EXTRAADRENAL; PHEOCHROMOCYTOMA, FAMILIAL EXTRAADRENAL. Identifiers: Orphanet 29072, MedGen C1861848, MONDO:0007273, OMIM 115310.
Gastrointestinal stromal tumor. Also called: Gastrointestinal stroma tumor; Gastrointestinal stromal tumor, somatic. Identifiers: Orphanet 44890, MedGen C0238198, MeSH D046152, MONDO:0011719, OMIM 606764, HP:0100723.

Submissions (2):

Ambry Genetics
Classification: Uncertain significance for Hereditary cancer-predisposing syndrome. Last evaluated: 2026-07-29. Review status: criteria provided, single submitter. Criteria: Ambry Variant Classification Scheme 2023. Collection method: clinical testing. Allele origin: germline.
Comment: The p.I105M variant (also known as c.315C>G), located in coding exon 4 of the SDHB gene, results from a C to G substitution at nucleotide position 315. The isoleucine at codon 105 is replaced by methionine, an amino acid with highly similar properties. This amino acid position is conserved. In addition, this alteration is predicted to be deleterious by in silico analysis. Based on the available evidence, the clinical significance of this variant remains unclear.

Labcorp Genetics (formerly Invitae), Labcorp
Classification: Uncertain significance for Gastrointestinal stromal tumor; Pheochromocytoma/paraganglioma syndrome 4; Pheochromocytoma. Last evaluated: 2022-04-16. Review status: criteria provided, single submitter. Criteria: Invitae Variant Classification Sherloc (09022015). Collection method: clinical testing. Allele origin: germline.
Comment: In summary, the available evidence is currently insufficient to determine the role of this variant in disease. Therefore, it has been classified as a Variant of Uncertain Significance. Advanced modeling of protein sequence and biophysical properties (such as structural, functional, and spatial information, amino acid conservation, physicochemical variation, residue mobility, and thermodynamic stability) performed at Invitae indicates that this missense variant is expected to disrupt SDHB protein function. This variant has not been reported in the literature in individuals affected with SDHB-related conditions. This variant is not present in population databases (gnomAD no frequency). This sequence change replaces isoleucine, which is neutral and non-polar, with methionine, which is neutral and non-polar, at codon 105 of the SDHB protein (p.Ile105Met).